The following is an entry in ClinVar:

ClinVar aggregate classification (germline): Pathogenic (1 of 4 stars; one submission).

Conditions:
Hereditary breast ovarian cancer syndrome. Also called: Hereditary breast and ovarian cancer syndrome; BRCA1- and BRCA2-Associated Hereditary Breast and Ovarian Cancer; Hereditary breast and ovarian cancer syndrome (HBOC); Hereditary breast and/or ovarian cancer syndrome; Hereditary breast and ovarian cancer; Breast and ovarian cancer. Identifiers: Orphanet 145, MedGen C0677776, MeSH D061325, MONDO:0003582. Disease mechanism: loss of function.

Submission:

Labcorp Genetics (formerly Invitae), Labcorp
Classification: Pathogenic for Hereditary breast ovarian cancer syndrome. Last evaluated: 2022-04-24. Review status: criteria provided, single submitter. Criteria: Invitae Variant Classification Sherloc (09022015). Collection method: clinical testing. Allele origin: germline.
Comment: This sequence change creates a premature translational stop signal (p.Leu2573Tyrfs*75) in the BRCA2 gene. It is expected to result in an absent or disrupted protein product. Loss-of-function variants in BRCA2 are known to be pathogenic (PMID: 20104584). This variant is not present in population databases (gnomAD no frequency). This variant has not been reported in the literature in individuals affected with BRCA2-related conditions. Algorithms developed to predict the effect of sequence changes on RNA splicing suggest that this variant may disrupt the consensus splice site. For these reasons, this variant has been classified as Pathogenic.

Literature cited by the submitters: PubMed 20104584.

NM_000059.4(BRCA2):c.7718del (p.Leu2573fs)

Gene: BRCA2 (BRCA2 DNA repair associated; plus strand). Cytogenetic location: 13q13.1.
Variant type: Deletion.
Coding change: c.7718del on transcript NM_000059.4 (MANE Select); coding-DNA position 7718, one base deleted (T; older notation c.7718delT).
Protein change: p.Leu2573fs; shifts the reading frame from leucine 2573.
Molecular consequence: frameshift variant.
Genome position (GRCh38, 1-based): chr13:32,357,842, T deleted; the last of 3 consecutive T bases (chr13:32,357,840-32,357,842); deleting any one gives the same sequence. VCF-style (leftmost placement, unchanged base first): chr13-32357839-GT-G. GRCh37 (hg19) VCF-style: chr13-32931976-GT-G.
Other names: c.7622delT, p.Leu2541Tyrfs (NM_001406719.1); c.7718delT, p.Leu2573Tyrfs (NM_001406720.1); c.2786delT, p.Leu929Tyrfs (NM_001406721.1); c.1301delT, p.Leu434Tyrfs (NM_001406722.1); short protein forms L2573fs.
Identifiers: ClinVar variation 2130151 (VCV002130151.4), dbSNP rs2137567005, ClinGen allele CA2580087353.